The following is an entry in ClinVar:

NM_001372.4(DNAH9):c.11248G>A (p.Asp3750Asn)

Gene: DNAH9 (dynein axonemal heavy chain 9; plus strand). Cytogenetic location: 17p12.
Variant type: single nucleotide variant.
Coding change: c.11248G>A on transcript NM_001372.4 (MANE Select); coding-DNA position 11248, G replaced by A.
Protein change: p.Asp3750Asn; replaces aspartic acid 3750 with asparagine.
Molecular consequence: missense variant.
Genome position (GRCh38, 1-based): chr17:11,891,912, G>A. VCF-style: chr17-11891912-G-A. GRCh37 (hg19) VCF-style: chr17-11795229-G-A.
Other names: c.184G>A, p.Asp62Asn (NM_004662.2); short protein forms D3750N, D62N.
Identifiers: ClinVar variation 4536432 (VCV004536432.1).

ClinVar aggregate classification (germline): Uncertain significance (1 of 4 stars; one submission).

Submission:

GeneDx
Classification: Uncertain significance. Last evaluated: 2025-06-06. Review status: criteria provided, single submitter. Criteria: GeneDx Variant Classification Process June 2021. Collection method: clinical testing. Allele origin: germline. Affected: yes.
Comment: Not observed at significant frequency in large population cohorts (gnomAD); In silico analysis supports that this missense variant has a deleterious effect on protein structure/function; Has not been previously published as pathogenic or benign to our knowledge